The following is an entry in ClinVar:

NM_004153.4(ORC1):c.1423C>T (p.Arg475Cys)

Gene: ORC1 (origin recognition complex subunit 1; minus strand). Cytogenetic location: 1p32.3.
Variant type: single nucleotide variant.
Coding change: c.1423C>T on transcript NM_004153.4 (MANE Select); coding-DNA position 1423, C replaced by T.
Protein change: p.Arg475Cys; replaces arginine 475 with cysteine.
Molecular consequence: missense variant.
Genome position (GRCh38, 1-based): chr1:52,385,910, G>A on the plus strand (C>T on the coding strand, the complement: ORC1 is on the minus strand). VCF-style: chr1-52385910-G-A. GRCh37 (hg19) VCF-style: chr1-52851582-G-A.
Other names: c.1423C>T, p.Arg475Cys (NM_001190818.2); c.1408C>T, p.Arg470Cys (NM_001190819.2); c.1423C>T (NM_004153.3); short protein forms R470C, R475C.
Identifiers: ClinVar variation 2075940 (VCV002075940.3), dbSNP rs142492205, ClinGen allele CA853332.

ClinVar aggregate classification (germline): Uncertain significance. Review status: criteria provided, multiple submitters, no conflicts (2 of 4 stars). 3 submissions from 3 submitters: Uncertain significance (3). Last evaluated 2025-08-04.

Conditions:
Inborn genetic diseases. Identifiers: MedGen C0950123, MeSH D030342.

Allele frequency attached by ClinVar (database versions not stated): gnomAD 0.00002; TOPMed 0.00005.
gnomAD v4.1: 31 of 1,613,654 alleles (0.0019%); highest among the groups gnomAD compares: Admixed American, 0.047%; no homozygotes.

Submissions (3):

Ambry Genetics
Classification: Uncertain significance for Inborn genetic diseases. Last evaluated: 2025-08-04. Review status: criteria provided, single submitter. Criteria: Ambry Variant Classification Scheme 2023. Collection method: clinical testing. Allele origin: germline.

Labcorp Genetics (formerly Invitae), Labcorp
Classification: Uncertain significance. Last evaluated: 2022-05-03. Review status: criteria provided, single submitter. Criteria: Invitae Variant Classification Sherloc (09022015). Collection method: clinical testing. Allele origin: germline.
Comment: This sequence change replaces arginine, which is basic and polar, with cysteine, which is neutral and slightly polar, at codon 475 of the ORC1 protein (p.Arg475Cys). This variant is present in population databases (rs142492205, gnomAD 0.07%). This variant has not been reported in the literature in individuals affected with ORC1-related conditions. Algorithms developed to predict the effect of missense changes on protein structure and function are either unavailable or do not agree on the potential impact of this missense change (SIFT: "Deleterious"; PolyPhen-2: "Possibly Damaging"; Align-GVGD: "Class C0"). In summary, the available evidence is currently insufficient to determine the role of this variant in disease. Therefore, it has been classified as a Variant of Uncertain Significance.

Blueprint Genetics
Classification: Uncertain significance. Last evaluated: 2021-10-19. Review status: criteria provided, single submitter. Criteria: ACMG Guidelines, 2015. Collection method: clinical testing. Allele origin: germline.